The following is an entry in ClinVar:

ClinVar aggregate classification (germline): Uncertain significance. Review status: criteria provided, multiple submitters, no conflicts (2 of 4 stars). 2 submissions from 2 submitters: Uncertain significance (2). Last evaluated 2025-08-08.

Conditions:
Hereditary breast ovarian cancer syndrome. Also called: Hereditary breast and ovarian cancer syndrome; BRCA1- and BRCA2-Associated Hereditary Breast and Ovarian Cancer; Breast and ovarian cancer; Hereditary breast and/or ovarian cancer syndrome; Hereditary breast and ovarian cancer; Hereditary breast and ovarian cancer syndrome (HBOC). Identifiers: Orphanet 145, MedGen C0677776, MeSH D061325, MONDO:0003582. Disease mechanism: loss of function.
Hereditary cancer-predisposing syndrome. Also called: Neoplastic Syndromes, Hereditary; Tumor predisposition; Hereditary Cancer Syndrome; Hereditary neoplastic syndrome. Identifiers: Orphanet 140162, MedGen C0027672, MeSH D009386, MONDO:0015356.

Submissions (2):

Ambry Genetics
Classification: Uncertain significance for Hereditary cancer-predisposing syndrome. Last evaluated: 2025-08-08. Review status: criteria provided, single submitter. Criteria: Ambry Variant Classification Scheme 2023. Collection method: clinical testing. Allele origin: germline.
Comment: The c.3139_3180del42 variant (also known as p.V1047_E1060del) is located in coding exon 9 of the BRCA1 gene. This variant results from an in-frame GTAGGTTCCAGTACTAATGAAGTGGGCTCCAGTATTAATGAA deletion at nucleotide positions 3139 to 3180. This results in the in-frame deletion of 14 amino acids at codons 1047 to 1060. This amino acid region is well conserved in available vertebrate species. In addition, this variant is predicted to be deleterious by in silico analysis (Choi Y et al. PLoS ONE. 2012; 7(10):e46688). Based on the available evidence, the clinical significance of this variant remains unclear.

Labcorp Genetics (formerly Invitae), Labcorp
Classification: Uncertain significance for Hereditary breast ovarian cancer syndrome. Last evaluated: 2024-05-29. Review status: criteria provided, single submitter. Criteria: Invitae Variant Classification Sherloc (09022015). Collection method: clinical testing. Allele origin: germline.
Comment: This variant, c.3139_3180del, results in the deletion of 14 amino acid(s) of the BRCA1 protein (p.Val1047_Glu1060del), but otherwise preserves the integrity of the reading frame. This variant is not present in population databases (gnomAD no frequency). This variant has not been reported in the literature in individuals affected with BRCA1-related conditions. ClinVar contains an entry for this variant (Variation ID: 233035). Experimental studies and prediction algorithms are not available or were not evaluated, and the functional significance of this variant is currently unknown. In summary, the available evidence is currently insufficient to determine the role of this variant in disease. Therefore, it has been classified as a Variant of Uncertain Significance.

NM_007294.4(BRCA1):c.3139_3180del (p.Val1047_Glu1060del)

Gene: BRCA1 (BRCA1 DNA repair associated; minus strand). Cytogenetic location: 17q21.31.
Variant type: Deletion.
Coding change: c.3139_3180del on transcript NM_007294.4 (MANE Select); coding-DNA positions 3139 to 3180, 42 bases deleted.
Protein change: p.Val1047_Glu1060del.
Molecular consequence: inframe deletion. On other transcripts: inframe indel (2), intron variant (137).
Genome position (GRCh38, 1-based): chr17:43,092,351-43,092,392, 42 bases deleted; deleting any 42 consecutive bases within chr17:43,092,351-43,092,402 gives the same sequence; the c. name uses the placement nearest the transcript's 3' end. GRCh37 (hg19): chr17:41,244,378-41,244,419.
Other names: c.3139_3180delGTAGGTTCCAGTACTAATGAAGTGGGCTCCAGTATTAATGAA (NM_007294.3); c.3139_3180del42 (NM_007294.3); c.2926_2967del, p.Val976_Glu989del (NM_001407571.1, NM_001407853.1, NM_001407894.1 and 9 more transcripts); c.3139_3180del, p.Val1047_Glu1060del (NM_001407581.1, NM_001407582.1, NM_001407583.1 and 30 more transcripts); c.3136_3177del, p.Val1046_Glu1059del (NM_001407587.1, NM_001407590.1, NM_001407591.1 and 22 more transcripts); c.3130_3171del, p.Val1044_Glu1057del (NM_001407646.1, NM_001407647.1); c.3016_3057del, p.Val1006_Glu1019del (NM_001407648.1, NM_001407664.1, NM_001407665.1 and 19 more transcripts); c.3013_3054del, p.Val1005_Glu1018del (NM_001407649.1, NM_001407670.1, NM_001407671.1 and 11 more transcripts); and 43 more.
Identifiers: ClinVar variation 233035 (VCV000233035.16), dbSNP rs876660145, ClinGen allele CA10580576.
Genomic context (GRCh38, chr17:43,092,350, plus strand): 5'-TCAATTTTGGCCCTCTGTTTCTACCTAGTTCTGCTTGAATGTTTTCATCACTGGAACCTA[TTTCATTAATACTGGAGCCCACTTCATTAGTACTGGAACCTAC>T]TTCATTAATATTGCTTGAGCTGGCTTCTTTAAAAACATTTTCTCTAATGTTATTACGGCT-3'